The following is an entry in ClinVar:

ClinVar aggregate classification (germline): Uncertain significance (1 of 4 stars; one submission).

Conditions:
Hereditary cancer-predisposing syndrome. Also called: Neoplastic Syndromes, Hereditary; Tumor predisposition; Hereditary Cancer Syndrome; Hereditary neoplastic syndrome. Identifiers: Orphanet 140162, MedGen C0027672, MeSH D009386, MONDO:0015356.

Submission:

Ambry Genetics
Classification: Uncertain significance for Hereditary cancer-predisposing syndrome. Last evaluated: 2022-08-05. Review status: criteria provided, single submitter. Criteria: Ambry Variant Classification Scheme 2023. Collection method: clinical testing. Allele origin: germline.
Comment: The p.P354R variant (also known as c.1061C>G), located in coding exon 9 of the NBN gene, results from a C to G substitution at nucleotide position 1061. The proline at codon 354 is replaced by arginine, an amino acid with dissimilar properties. This amino acid position is conserved. In addition, this alteration is predicted to be tolerated by in silico analysis. Since supporting evidence is limited at this time, the clinical significance of this alteration remains unclear.

NM_002485.5(NBN):c.1061C>G (p.Pro354Arg)

Gene: NBN (nibrin; minus strand). Cytogenetic location: 8q21.3.
Variant type: single nucleotide variant.
Coding change: c.1061C>G on transcript NM_002485.5 (MANE Select); coding-DNA position 1061, C replaced by G.
Protein change: p.Pro354Arg; replaces proline 354 with arginine.
Molecular consequence: missense variant.
Genome position (GRCh38, 1-based): chr8:89,958,788, G>C on the plus strand (C>G on the coding strand, the complement: NBN is on the minus strand). VCF-style: chr8-89958788-G-C. GRCh37 (hg19) VCF-style: chr8-90971016-G-C.
Other names: c.815C>G, p.Pro272Arg (NM_001024688.3); short protein forms P272R, P354R.
Identifiers: ClinVar variation 1780358 (VCV001780358.2), dbSNP rs1354459986, ClinGen allele CA371656689.
Genomic context (GRCh38, chr8:89,958,788, plus strand): 5'-GTATCTGCTTGCTCTGATTCTGTGTCAGCTACGTATGTTGTAGTGTTCACTGGGGCGCTT[G>C]GCATTAGTTTTTCATCAACTGACACGCCTTGTGAAAGGCTTGGTCCTGGAGTTGTTGTCT-3'
Protein context (NP_002476.2, residues 344-364): QGVSVDEKLM[Pro354Arg]SAPVNTTTYV